The following is an entry in ClinVar:

ClinVar aggregate classification (germline): Likely benign (1 of 4 stars; one submission).

Allele frequency attached by ClinVar (database versions not stated): gnomAD exomes 0.00007; TOPMed 0.00008; ExAC 0.00012; gnomAD 0.00013; 1000 Genomes Project 30x 0.00016; ESP Exome Variant Server 0.00016; 1000 Genomes Project 0.00020.
gnomAD v4.1: 125 of 1,613,974 alleles (0.0077%); highest among the groups gnomAD compares: Middle Eastern, 0.082%; no homozygotes.

Submission:

CeGaT Center for Human Genetics Tuebingen
Classification: Likely benign. Last evaluated: 2022-03-01. Review status: criteria provided, single submitter. Criteria: CeGaT Center For Human Genetics Tuebingen Variant Classification Criteria Version 2. Collection method: clinical testing. Allele origin: germline. Affected: yes. Observed: 1 variant allele.
Comment: ZNF839: BP4, BP7

NM_018335.6(ZNF839):c.2586C>T (p.Ser862=)

Gene: ZNF839 (zinc finger protein 839; plus strand). Cytogenetic location: 14q32.31.
Variant type: single nucleotide variant.
Coding change: c.2586C>T on transcript NM_018335.6 (MANE Select); coding-DNA position 2586, C replaced by T.
Protein change: p.Ser862=; no amino-acid change (serine 862 retained).
Molecular consequence: synonymous variant. On other transcripts: non-coding transcript variant (5), intron variant (5).
Genome position (GRCh38, 1-based): chr14:102,341,981, C>T. VCF-style: chr14-102341981-C-T. GRCh37 (hg19) VCF-style: chr14-102808318-C-T.
Other names: c.2238C>T, p.Ser746= (NM_001267827.2, NM_001267828.2); c.2436C>T, p.Ser812= (NM_001385065.1); c.2223C>T, p.Ser741= (NM_001385069.1); c.2088C>T, p.Ser696= (NM_001385070.1); c.2013C>T, p.Ser671= (NM_001385071.1); c.1580-122C>T (NM_001385075.1, NM_001385076.1, NM_001385074.1); c.1928-122C>T (NM_001385072.1); c.1778-122C>T (NM_001385073.1).
Identifiers: ClinVar variation 2644581 (VCV002644581.24), dbSNP rs367718180, ClinGen allele CA7357018.